The following is an entry in ClinVar:

NM_004006.3(DMD):c.*2268C>T

Gene: DMD (dystrophin; minus strand). Cytogenetic location: Xp21.2.
Variant type: single nucleotide variant.
Coding change: c.*2268C>T on transcript NM_004006.3 (MANE Select); 2268 bases downstream of the stop codon, C replaced by T.
Molecular consequence: 3 prime UTR variant.
Genome position (GRCh38, 1-based): chrX:31,119,651, G>A on the plus strand (C>T on the coding strand, the complement: DMD is on the minus strand). VCF-style: chrX-31119651-G-A. GRCh37 (hg19) VCF-style: chrX-31137768-G-A.
Other names: c.*2268C>T (NM_000109.4, NM_004009.3, NM_004010.3 and 7 more transcripts); c.*2182C>T (NM_004016.3, NM_004018.3, NM_004021.3 and 2 more transcripts).
Identifiers: ClinVar variation 915103 (VCV000915103.28), dbSNP rs746158689, ClinGen allele CA328400469.

ClinVar aggregate classification (germline): Conflicting classifications of pathogenicity. Review status: criteria provided, conflicting classifications (1 of 4 stars). 2 submissions from 2 submitters: Uncertain significance (1); Likely benign (1). Last evaluated 2022-12-01.

Conditions:
Dilated cardiomyopathy 3B (CMD3B). Also called: DMD-Associated Dilated Cardiomyopathy; CMD3B: DMD-Related Dilated Cardiomyopathy; CARDIOMYOPATHY, DILATED, X-LINKED. Identifiers: Orphanet 154, MedGen C3668940, MONDO:0010542, OMIM 302045.

Allele frequency attached by ClinVar (database versions not stated): gnomAD 0.00075 and 0.00076; TOPMed 0.00130.

Submissions (2):

CeGaT Center for Human Genetics Tuebingen
Classification: Likely benign. Last evaluated: 2022-12-01. Review status: criteria provided, single submitter. Criteria: CeGaT Center For Human Genetics Tuebingen Variant Classification Criteria Version 2. Collection method: clinical testing. Allele origin: germline. Affected: yes. Observed: 1 variant allele.
Comment: DMD: BS2

Illumina Laboratory Services, Illumina
Classification: Uncertain significance for Dilated cardiomyopathy 3B. Last evaluated: 2018-01-13. Review status: criteria provided, single submitter. Criteria: ICSL Variant Classification Criteria 13 December 2019. Collection method: clinical testing. Allele origin: germline.